The following is an entry in ClinVar:

NM_000361.3(THBD):c.1092G>A (p.Glu364=)

Gene: THBD (thrombomodulin; minus strand). Cytogenetic location: 20p11.21.
Variant type: single nucleotide variant.
Coding change: c.1092G>A on transcript NM_000361.3 (MANE Select); coding-DNA position 1092, G replaced by A.
Protein change: p.Glu364=; no amino-acid change (glutamic acid 364 retained).
Molecular consequence: synonymous variant.
Genome position (GRCh38, 1-based): chr20:23,048,413, C>T on the plus strand (G>A on the coding strand, the complement: THBD is on the minus strand). VCF-style: chr20-23048413-C-T. GRCh37 (hg19) VCF-style: chr20-23029050-C-T.
Other names: p.Glu364=.
Identifiers: ClinVar variation 337885 (VCV000337885.24), dbSNP rs73901577, ClinGen allele CA9787626.

ClinVar aggregate classification (germline): Benign/Likely benign. Review status: criteria provided, multiple submitters, no conflicts (2 of 4 stars). 9 submissions from 9 submitters: Benign (8); Likely benign (1). Last evaluated 2026-02-01.

Conditions:
Atypical hemolytic-uremic syndrome. Identifiers: Orphanet 2134, MedGen C2931788, MONDO:0016244.
Atypical hemolytic-uremic syndrome with thrombomodulin anomaly. Also called: HEMOLYTIC UREMIC SYNDROME, ATYPICAL, SUSCEPTIBILITY TO, 6; AHUS, SUSCEPTIBILITY TO, 6. Identifiers: MedGen C2752036, MONDO:0013044, OMIM 612926. Disease mechanism: gain of function.

Allele frequency attached by ClinVar (database versions not stated): gnomAD exomes 0.00611; ExAC 0.00738; 1000 Genomes Project 0.02496; 1000 Genomes Project 30x 0.02717; TOPMed 0.02781; ESP Exome Variant Server 0.02799.
gnomAD v4.1: 7,406 of 1,613,952 alleles (0.46%); highest among the groups gnomAD compares: African/African-American, 8.9%; 347 homozygotes.

Submissions (9):

Labcorp Genetics (formerly Invitae), Labcorp
Classification: Benign. Last evaluated: 2026-02-01. Review status: criteria provided, single submitter. Criteria: Invitae Variant Classification Sherloc (09022015). Collection method: clinical testing. Allele origin: germline.

Center for Genomic Medicine, Rigshospitalet, Copenhagen University Hospital
Classification: Benign. Last evaluated: 2025-03-04. Review status: criteria provided, single submitter. Criteria: ACMG Guidelines, 2015. Collection method: clinical testing. Allele origin: germline.

Mayo Clinic Laboratories, Mayo Clinic
Classification: Benign. Last evaluated: 2024-10-26. Review status: criteria provided, single submitter. Criteria: ACMG Guidelines, 2015. Collection method: clinical testing. Allele origin: germline. Observed: 154 variant alleles.

Blueprint Genetics
Classification: Likely benign. Last evaluated: 2024-10-22. Review status: criteria provided, single submitter. Criteria: ACMG Guidelines, 2015. Collection method: clinical testing. Allele origin: germline.

Women's Health and Genetics/Laboratory Corporation of America, LabCorp
Classification: Benign. Last evaluated: 2021-07-08. Review status: criteria provided, single submitter. Criteria: LabCorp Variant Classification Summary - May 2015. Collection method: clinical testing. Allele origin: germline.

GeneDx
Classification: Benign. Last evaluated: 2021-05-06. Review status: criteria provided, single submitter. Criteria: GeneDx Variant Classification Process June 2021. Collection method: clinical testing. Allele origin: germline. Affected: yes.

Genome Diagnostics Laboratory, The Hospital for Sick Children
Classification: Benign for Atypical hemolytic-uremic syndrome. Last evaluated: 2020-10-09. Review status: criteria provided, single submitter. Criteria: ACMG Guidelines, 2015. Collection method: clinical testing. Allele origin: germline.

Illumina Laboratory Services, Illumina
Classification: Benign for Atypical hemolytic-uremic syndrome with thrombomodulin anomaly. Last evaluated: 2018-01-12. Review status: criteria provided, single submitter. Criteria: ICSL Variant Classification Criteria 13 December 2019. Collection method: clinical testing. Allele origin: germline.
Comment: This variant was observed in the ICSL laboratory as part of a predisposition screen in an ostensibly healthy population. It had not been previously curated by ICSL or reported in the Human Gene Mutation Database (HGMD: prior to June 1st, 2018), and was therefore a candidate for classification through an automated scoring system. Utilizing variant allele frequency, disease prevalence and penetrance estimates, and inheritance mode, an automated score was calculated to assess if this variant is too frequent to cause the disease. Based on the score and internal cut-off values, a variant classified as benign is not then subjected to further curation. The score for this variant resulted in a classification of benign for this disease.

Breakthrough Genomics
Classification: Benign. Review status: criteria provided, single submitter. Criteria: ACMG Guidelines, 2015. Collection method: not provided. Allele origin: germline. Inheritance: Autosomal dominant inheritance. Affected: yes.